The following is an entry in ClinVar:

NM_031885.5(BBS2):c.356_472-117del

Gene: BBS2 (Bardet-Biedl syndrome 2; minus strand). Cytogenetic location: 16q13.
Variant type: Deletion.
Coding change: c.356_472-117del on transcript NM_031885.5 (MANE Select); coding-DNA position 356 through 117 bases into the intron before coding-DNA position 472, 237 bases deleted.
Molecular consequence: splice donor variant.
Genome position (GRCh38, 1-based): chr16:56,511,038-56,511,274, 237 bases deleted. GRCh37 (hg19): chr16:56,544,953-56,545,189.
Other names: c.356_472-117del (NM_001377456.1).
Identifiers: ClinVar variation 3638422 (VCV003638422.2).

ClinVar aggregate classification (germline): Pathogenic (1 of 4 stars; one submission).

Conditions:
Bardet-Biedl syndrome (BBS). Identifiers: Orphanet 110, MedGen C0752166, MONDO:0015229.

Submission:

Labcorp Genetics (formerly Invitae), Labcorp
Classification: Pathogenic for Bardet-Biedl syndrome. Last evaluated: 2024-02-01. Review status: criteria provided, single submitter. Criteria: Invitae Variant Classification Sherloc (09022015). Collection method: clinical testing. Allele origin: germline.
Comment: This variant results in the deletion of part of exon 3 (c.356_472-117del) of the BBS2 gene. It is expected to disrupt RNA splicing. Variants that disrupt the donor or acceptor splice site typically lead to a loss of protein function (PMID: 16199547), and loss-of-function variants in BBS2 are known to be pathogenic (PMID: 11285252, 20177705, 24608809, 26518167). This variant is not present in population databases (gnomAD no frequency). This variant has not been reported in the literature in individuals affected with BBS2-related conditions. This variant disrupts a region of the BBS2 protein in which other variant(s) (p.Asn148Ile) have been determined to be pathogenic (PMID: 33688495). This suggests that this is a clinically significant region of the protein, and that variants that disrupt it are likely to be disease-causing. For these reasons, this variant has been classified as Pathogenic.

Literature cited by the submitters: PubMed 16199547; PubMed 11285252; PubMed 20177705; PubMed 24608809; PubMed 26518167; PubMed 33688495.